The following is an entry in ClinVar:

NM_012096.3(APPL1):c.1968A>C (p.Gln656His)

Genes: APPL1 (adaptor protein, phosphotyrosine interacting with PH domain and leucine zipper 1; plus strand), ASB14 (ankyrin repeat and SOCS box containing 14; minus strand). Cytogenetic location: 3p14.3.
Variant type: single nucleotide variant.
Coding change: c.1968A>C on transcript NM_012096.3 (MANE Select); coding-DNA position 1968, A replaced by C.
Protein change: p.Gln656His; replaces glutamine 656 with histidine.
Molecular consequence: missense variant. On other transcripts: 3 prime UTR variant (2).
Genome position (GRCh38, 1-based): chr3:57,268,472, A>C. VCF-style: chr3-57268472-A-C. GRCh37 (hg19) VCF-style: chr3-57302500-A-C.
Other names: c.*1169T>G (NM_001142733.3, NM_130387.5); short protein forms Q656H.
Identifiers: ClinVar variation 4714079 (VCV004714079.1).

ClinVar aggregate classification (germline): Uncertain significance (1 of 4 stars; one submission).

Submission:

Labcorp Genetics (formerly Invitae), Labcorp
Classification: Uncertain significance. Last evaluated: 2025-02-27. Review status: criteria provided, single submitter. Criteria: Invitae Variant Classification Sherloc (09022015). Collection method: clinical testing. Allele origin: germline.
Comment: This sequence change replaces glutamine, which is neutral and polar, with histidine, which is basic and polar, at codon 656 of the APPL1 protein (p.Gln656His). This variant is not present in population databases (gnomAD no frequency). This variant has not been reported in the literature in individuals affected with APPL1-related conditions. An algorithm developed to predict the effect of missense changes on protein structure and function (PolyPhen-2) suggests that this variant is likely to be disruptive. In summary, the available evidence is currently insufficient to determine the role of this variant in disease. Therefore, it has been classified as a Variant of Uncertain Significance.